The following is an entry in ClinVar:

ClinVar aggregate classification (germline): Likely pathogenic (1 of 4 stars; one submission).

Conditions:
Autosomal recessive limb-girdle muscular dystrophy type 2J (LGMDR10). Also called: Limb-girdle muscular dystrophy, type 2J; MUSCULAR DYSTROPHY, LIMB-GIRDLE, AUTOSOMAL RECESSIVE 10. Identifiers: Orphanet 140922, MedGen C1837342, MONDO:0012127, OMIM 608807.
Dilated cardiomyopathy 1G (CMD1G). Identifiers: Orphanet 154, MedGen C1858763, MONDO:0011400, OMIM 604145.

Submission:

Labcorp Genetics (formerly Invitae), Labcorp
Classification: Likely pathogenic for Dilated cardiomyopathy 1G; Autosomal recessive limb-girdle muscular dystrophy type 2J. Last evaluated: 2025-12-01. Review status: criteria provided, single submitter. Criteria: Invitae Variant Classification Sherloc (09022015). Collection method: clinical testing. Allele origin: germline.
Comment: This sequence change creates a premature translational stop signal (p.Lys1504*) in the TTN gene. While this is not anticipated to result in nonsense mediated decay, it is expected to create a truncated TTN protein. This variant is not present in population databases (gnomAD no frequency). This variant has not been reported in the literature in individuals affected with TTN-related conditions. Algorithms developed to predict the effect of sequence changes on RNA splicing suggest that this variant may disrupt the consensus splice site. This variant is located in the Z band of TTN (PMID: 25589632). Truncating variants in this region have been reported in individuals affected with autosomal recessive centronuclear myopathy (PMID: 33449170, internal data). Truncating variants in this region have also been identified in individuals affected with autosomal dominant dilated cardiomyopathy and/or cardio-related conditions (PMID: 27869827, 32964742, internal data). In summary, the currently available evidence indicates that the variant is pathogenic, but additional data are needed to prove that conclusively. Therefore, this variant has been classified as Likely Pathogenic.

Literature cited by the submitters: PubMed 25589632; PubMed 33449170; PubMed 27869827; PubMed 32964742.

NM_001267550.2(TTN):c.4510A>T (p.Lys1504Ter)

Genes: TTN (titin; minus strand), LOC101927055 (uncharacterized LOC101927055; plus strand). Cytogenetic location: 2q31.2.
Variant type: single nucleotide variant.
Coding change: c.4510A>T on transcript NM_001267550.2 (MANE Select); coding-DNA position 4510, A replaced by T.
Protein change: p.Lys1504Ter; replaces lysine 1504 with a stop codon.
Molecular consequence: nonsense. On other transcripts: non-coding transcript variant (1).
Genome position (GRCh38, 1-based): chr2:178,777,555, T>A on the plus strand (A>T on the coding strand, the complement: TTN is on the minus strand). VCF-style: chr2-178777555-T-A. GRCh37 (hg19) VCF-style: chr2-179642282-T-A.
Other names: c.4510A>T, p.Lys1504Ter (NM_001256850.1, NM_133378.4, NM_133379.5); c.4372A>T, p.Lys1458Ter (NM_003319.4, NM_133432.3, NM_133437.4); short protein forms K1504*, K1458*.
Identifiers: ClinVar variation 4786313 (VCV004786313.1).
Genomic context (GRCh38, chr2:178,777,555, plus strand): 5'-CACTGGGTGTGGCAGGGACAATAATTAGTGATTGAGTACCATCTTCTTTAATGACTACTT[T>A]ATGGGTATAGTCATTGACAATTTGCTGGCCTGTGAAAATATGTTTAAAAGAAAGTAGATT-3'